The following is an entry in ClinVar:

NM_000237.3(LPL):c.1158T>G (p.Asn386Lys)

Gene: LPL (lipoprotein lipase; plus strand). Cytogenetic location: 8p21.3.
Variant type: single nucleotide variant.
Coding change: c.1158T>G on transcript NM_000237.3 (MANE Select); coding-DNA position 1158, T replaced by G.
Protein change: p.Asn386Lys; replaces asparagine 386 with lysine.
Molecular consequence: missense variant.
Genome position (GRCh38, 1-based): chr8:19,960,919, T>G. VCF-style: chr8-19960919-T-G. GRCh37 (hg19) VCF-style: chr8-19818430-T-G.
Other names: short protein forms N386K.
Identifiers: ClinVar variation 1735989 (VCV001735989.3), dbSNP rs1051237995, ClinGen allele CA173617975.

ClinVar aggregate classification (germline): Uncertain significance. Review status: criteria provided, multiple submitters, no conflicts (2 of 4 stars). 2 submissions from 2 submitters: Uncertain significance (2). Last evaluated 2023-07-24.

Conditions:
Cardiovascular phenotype. Identifiers: MedGen CN230736.

Allele frequency attached by ClinVar (database versions not stated): gnomAD exomes below 0.00001; TOPMed below 0.00001; gnomAD 0.00001.
gnomAD v4.1: 3 of 1,613,704 alleles (0.00019%); highest among the groups gnomAD compares: Non-Finnish European, 0.00025%; no homozygotes.

Submissions (2):

GeneDx
Classification: Uncertain significance. Last evaluated: 2023-07-24. Review status: criteria provided, single submitter. Criteria: GeneDx Variant Classification Process June 2021. Collection method: clinical testing. Allele origin: germline. Affected: yes.
Comment: Not observed at significant frequency in large population cohorts (gnomAD); In silico analysis supports that this missense variant has a deleterious effect on protein structure/function; Has not been previously published as pathogenic or benign to our knowledge

Ambry Genetics
Classification: Uncertain significance for Cardiovascular phenotype. Last evaluated: 2021-08-31. Review status: criteria provided, single submitter. Criteria: Ambry Variant Classification Scheme 2023. Collection method: clinical testing. Allele origin: germline.
Comment: The p.N386K variant (also known as c.1158T>G), located in coding exon 8 of the LPL gene, results from a T to G substitution at nucleotide position 1158. The asparagine at codon 386 is replaced by lysine, an amino acid with similar properties. This amino acid position is conserved. In addition, this alteration is predicted to be tolerated by in silico analysis. Since supporting evidence is limited at this time, the clinical significance of this alteration remains unclear.